The following is an entry in ClinVar:

NM_004036.5(ADCY3):c.1605C>T (p.Asn535=)

Gene: ADCY3 (adenylate cyclase 3; minus strand). Cytogenetic location: 2p23.3.
Variant type: single nucleotide variant.
Coding change: c.1605C>T on transcript NM_004036.5 (MANE Select); coding-DNA position 1605, C replaced by T.
Protein change: p.Asn535=; no amino-acid change (asparagine 535 retained).
Molecular consequence: synonymous variant.
Genome position (GRCh38, 1-based): chr2:24,836,974, G>A on the plus strand (C>T on the coding strand, the complement: ADCY3 is on the minus strand). VCF-style: chr2-24836974-G-A. GRCh37 (hg19) VCF-style: chr2-25059843-G-A.
Other names: c.1605C>T, p.Asn535= (NM_001320613.2, NM_001377129.1, NM_001377130.1 and 1 more transcripts); c.1671C>T, p.Asn557= (NM_001377128.1); c.882C>T, p.Asn294= (NM_001377131.1).
Identifiers: ClinVar variation 3350306 (VCV003350306.1).

ClinVar aggregate classification (germline): Likely benign (0 of 4 stars; one submission).

Conditions:
ADCY3-related disorder. Also called: ADCY3-related condition.

gnomAD v4.1: 24 of 1,614,024 alleles (0.0015%); highest among the groups gnomAD compares: East Asian, 0.0022%; no homozygotes.

Submission:

PreventionGenetics, part of Exact Sciences
Classification: Likely benign for ADCY3-related condition. Last evaluated: 2021-10-19. Review status: no assertion criteria provided. Collection method: clinical testing. Allele origin: germline.
Comment: This variant is classified as likely benign based on ACMG/AMP sequence variant interpretation guidelines (Richards et al. 2015 PMID: 25741868, with internal and published modifications).